The following is an entry in ClinVar:

ClinVar aggregate classification (germline): Likely benign (0 of 4 stars; one submission).

Conditions:
CREBBP-related disorder. Also called: CREBBP-related condition; CREBBP-related disorders.

Allele frequency attached by ClinVar (database versions not stated): gnomAD 0.00001.
gnomAD v4.1: 6 of 1,570,876 alleles (0.00038%); highest among the groups gnomAD compares: Admixed American, 0.0054%; no homozygotes.

Submission:

PreventionGenetics, part of Exact Sciences
Classification: Likely benign for CREBBP-related condition. Last evaluated: 2023-07-19. Review status: no assertion criteria provided. Collection method: clinical testing. Allele origin: germline.
Comment: This variant is classified as likely benign based on ACMG/AMP sequence variant interpretation guidelines (Richards et al. 2015 PMID: 25741868, with internal and published modifications).

NM_004380.3(CREBBP):c.5913C>T (p.His1971=)

Gene: CREBBP (CREB binding lysine acetyltransferase; minus strand). Cytogenetic location: 16p13.3.
Variant type: single nucleotide variant.
Coding change: c.5913C>T on transcript NM_004380.3 (MANE Select); coding-DNA position 5913, C replaced by T.
Protein change: p.His1971=; no amino-acid change (histidine 1971 retained).
Molecular consequence: synonymous variant.
Genome position (GRCh38, 1-based): chr16:3,729,134, G>A on the plus strand (C>T on the coding strand, the complement: CREBBP is on the minus strand). VCF-style: chr16-3729134-G-A. GRCh37 (hg19) VCF-style: chr16-3779135-G-A.
Other names: c.5799C>T, p.His1933= (NM_001079846.1).
Identifiers: ClinVar variation 3031581 (VCV003031581.2), dbSNP rs1281932803, ClinGen allele CA493394343.